The following is an entry in ClinVar:

NM_001378120.1(MBD5):c.2381G>A (p.Gly794Glu)

Gene: MBD5 (methyl-CpG binding domain protein 5; plus strand). Cytogenetic location: 2q23.1.
Variant type: single nucleotide variant.
Coding change: c.2381G>A on transcript NM_001378120.1 (MANE Select); coding-DNA position 2381, G replaced by A.
Protein change: p.Gly794Glu; replaces glycine 794 with glutamic acid.
Molecular consequence: missense variant.
Genome position (GRCh38, 1-based): chr2:148,470,324, G>A. VCF-style: chr2-148470324-G-A. GRCh37 (hg19) VCF-style: chr2-149227893-G-A.
Other names: c.2381G>A, p.Gly794Glu (NM_018328.5); short protein forms G794E.
Identifiers: ClinVar variation 1473309 (VCV001473309.8), dbSNP rs369612300, ClinGen allele CA1900133.

ClinVar aggregate classification (germline): Uncertain significance (1 of 4 stars; one submission).

Conditions:
Intellectual developmental disorder, autosomal dominant 1. Also called: Intellectual disability, autosomal dominant 1; MBD5 Haploinsufficiency. Identifiers: Orphanet 228402, MedGen C1969562, MONDO:0007974, OMIM 156200.

Allele frequency attached by ClinVar (database versions not stated): gnomAD exomes 0.00001; gnomAD 0.00001; ExAC 0.00002; ESP Exome Variant Server 0.00008; TOPMed 0.00002.
gnomAD v4.1: 17 of 1,613,804 alleles (0.0011%); highest among the groups gnomAD compares: Non-Finnish European, 0.0014%; no homozygotes.

Submission:

Labcorp Genetics (formerly Invitae), Labcorp
Classification: Uncertain significance for Intellectual developmental disorder, autosomal dominant 1. Last evaluated: 2024-09-06. Review status: criteria provided, single submitter. Criteria: Invitae Variant Classification Sherloc (09022015). Collection method: clinical testing. Allele origin: germline.
Comment: This sequence change replaces glycine, which is neutral and non-polar, with glutamic acid, which is acidic and polar, at codon 794 of the MBD5 protein (p.Gly794Glu). This variant is present in population databases (rs369612300, gnomAD 0.002%). This variant has not been reported in the literature in individuals affected with MBD5-related conditions. Invitae Evidence Modeling of protein sequence and biophysical properties (such as structural, functional, and spatial information, amino acid conservation, physicochemical variation, residue mobility, and thermodynamic stability) indicates that this missense variant is not expected to disrupt MBD5 protein function with a negative predictive value of 80%. In summary, the available evidence is currently insufficient to determine the role of this variant in disease. Therefore, it has been classified as a Variant of Uncertain Significance.